The following is an entry in ClinVar:

NM_000051.4(ATM):c.3159delinsAA (p.Asp1053fs)

Gene: ATM (ATM serine/threonine kinase; plus strand). Cytogenetic location: 11q22.3.
Variant type: Indel.
Coding change: c.3159delinsAA on transcript NM_000051.4 (MANE Select); coding-DNA position 3159, T replaced by AA.
Protein change: p.Asp1053fs; shifts the reading frame from aspartic acid 1053.
Molecular consequence: frameshift variant.
Genome position (GRCh38, 1-based): chr11:108,272,727, T replaced by AA. VCF-style: chr11-108272727-T-AA. GRCh37 (hg19) VCF-style: chr11-108143454-T-AA.
Other names: c.3159delinsAA, p.Asp1053fs (NM_001351834.2); short protein forms D1053fs.
Identifiers: ClinVar variation 4071389 (VCV004071389.1).

ClinVar aggregate classification (germline): Pathogenic (1 of 4 stars; one submission).

Conditions:
Familial cancer of breast. Also called: hereditary breast carcinoma; BREAST CANCER, FAMILIAL; Hereditary breast cancer. Identifiers: Orphanet 227535, MedGen C0346153, MONDO:0016419, OMIM 114480. Disease mechanism: loss of function.

Submission:

Myriad Genetics, Inc.
Classification: Pathogenic for Familial cancer of breast. Last evaluated: 2025-05-07. Review status: criteria provided, single submitter. Criteria: Myriad Autosomal Dominant, Autosomal Recessive and X-Linked Classification Criteria (2023). Collection method: clinical testing. Allele origin: unknown.
Comment: This variant is considered pathogenic. This variant creates a frameshift predicted to result in premature protein truncation.